The following is an entry in ClinVar:

NM_000435.3(NOTCH3):c.245G>T (p.Cys82Phe)

Gene: NOTCH3 (notch receptor 3; minus strand). Cytogenetic location: 19p13.12.
Variant type: single nucleotide variant.
Coding change: c.245G>T on transcript NM_000435.3 (MANE Select); coding-DNA position 245, G replaced by T.
Protein change: p.Cys82Phe; replaces cysteine 82 with phenylalanine.
Molecular consequence: missense variant.
Genome position (GRCh38, 1-based): chr19:15,192,472, C>A on the plus strand (G>T on the coding strand, the complement: NOTCH3 is on the minus strand). VCF-style: chr19-15192472-C-A. GRCh37 (hg19) VCF-style: chr19-15303283-C-A.
Other names: short protein forms C82F.
Identifiers: ClinVar variation 447812 (VCV000447812.23), dbSNP rs1023306013, ClinGen allele CA305778444.
Genomic context (GRCh38, chr19:15,192,472, plus strand): 5'-GCGGTGCCAGCCACCACTGAACTCTGGCAGACACCACGGCCAGCACAGGGGCCTGAGTGA[C>A]AGGGGTCCTCCAGCTGACACCGCTCACCCACCCAGCCAGGCGGGCACCTGTGGGCAGAGA-3'
Protein context (NP_000426.2, residues 72-92): VGERCQLEDP[Cys82Phe]HSGPCAGRGV

ClinVar aggregate classification (germline): Pathogenic/Likely pathogenic. Review status: criteria provided, multiple submitters, no conflicts (2 of 4 stars). 6 submissions from 6 submitters: Pathogenic (2); Likely pathogenic (3). 1 of the submissions does not count toward it. Last evaluated 2026-03-03.

Conditions:
Cerebral arteriopathy, autosomal dominant, with subcortical infarcts and leukoencephalopathy, type 1 (CADASIL1). Also called: CASIL; Cerebral arteriopathy with subcortical infarcts and leukoencephalopathy 1; DEMENTIA, HEREDITARY MULTIINFARCT TYPE; CADASIL 1. Identifiers: Orphanet 136, MedGen C4551768, MONDO:0000914, OMIM 125310.
NOTCH3-related disorder. Also called: NOTCH3-related condition; NOTCH3-related disorders.

Allele frequency attached by ClinVar (database versions not stated): TOPMed 0.00001.

Submissions (6):

Women's Health and Genetics/Laboratory Corporation of America, LabCorp
Classification: Likely pathogenic for Cerebral arteriopathy, autosomal dominant, with subcortical infarcts and leukoencephalopathy, type 1. Last evaluated: 2026-03-03. Review status: criteria provided, single submitter. Criteria: LabCorp Variant Classification Summary - May 2015. Collection method: clinical testing. Allele origin: germline.
Comment: Variant summary: NOTCH3 c.245G>T (p.Cys82Phe) results in a non-conservative amino acid change abolishing a cysteine residue in the 2nd EGF-like domain (UniProt) of the encoded protein sequence. Algorithms developed to predict the effect of missense changes on protein structure and function all suggest that this variant is likely to be disruptive. The variant was absent in 236606 control chromosomes (gnomAD). The available data on variant occurrences in the general population are insufficient to allow any conclusion about variant significance. c.245G>T has been observed in individuals affected with Cerebral arteriopathy, autosomal dominant, with subcortical infarcts and leukoencephalopathy, type 1 (Cho_2022, and LabCorp Genetics (formerly Invitae) internal data). In addition, a different missense variant affecting the same codon has been classified as pathogenic by our lab. To our knowledge, no experimental evidence demonstrating an impact on protein function has been reported. The following publications have been ascertained in the context of this evaluation (PMID: 35641310). ClinVar contains an entry for this variant (Variation ID: 447812). Based on the evidence outlined above, the variant was classified as likely pathogenic.

ARUP Laboratories, Molecular Genetics and Genomics, ARUP Laboratories
Classification: Likely pathogenic. Last evaluated: 2025-01-13. Review status: criteria provided, single submitter. Criteria: ARUP Molecular Germline Variant Investigation Process 2024. Collection method: clinical testing. Allele origin: germline.
Comment: The NOTCH3 c.245G>T; p.Cys82Phe variant (rs1023306013; ClinVar Variation ID: 447812), is reported in the literature in an individual affected with CADASIL (Cho 2022). This variant is absent from the Genome Aggregation Database (v2.1.1), indicating it is not a common polymorphism. Computational analyses predict that this variant is deleterious (REVEL: 0.979). Most pathogenic NOTCH3 variants occur in exons 2-24 and either create or destroy a cysteine residue within an EGF-like domain (Rutten 2014), and thus the p.Cys82Phe variant is consistent with the predominant mechanism of disease in NOTCH3. Based on available information, this variant is considered to be likely pathogenic. References: Cho BPH et al. Association of NOTCH3 Variant Position With Stroke Onset and Other Clinical Features Among Patients With CADASIL. Neurology. 2022 Aug 1;99(5):e430-e439. PMID: 35641310. Rutten JW et al. Interpretation of NOTCH3 mutations in the diagnosis of CADASIL. Expert Rev Mol Diagn. 2014 Jun;14(5):593-603. PMID: 24844136.

Athena Diagnostics
Classification: Pathogenic. Last evaluated: 2024-03-28. Review status: criteria provided, single submitter. Criteria: Athena Diagnostics Criteria. Collection method: clinical testing. Allele origin: unknown.
Comment: This variant has been identified in at least one individual with clinical features of CADASIL. This variant has not been reported in large, multi-ethnic general populations. This variant alters a critical location within the protein, and is expected to severely affect function and cause disease. Greater than 90% of NOTCH3 pathogenic variants associated with CADASIL involve the gain or loss of a cysteine residue within the epidermal growth factor (EGF)-like repeat domain (PMID: 32457593, 20301673).

GeneDx
Classification: Likely pathogenic. Last evaluated: 2024-01-25. Review status: criteria provided, single submitter. Criteria: GeneDx Variant Classification Process June 2021. Collection method: clinical testing. Allele origin: germline. Affected: yes.
Comment: Not observed at significant frequency in large population cohorts (gnomAD); In silico analysis supports that this missense variant has a deleterious effect on protein structure/function; This variant is associated with the following publications: (PMID: 35641310, 24844136)

Labcorp Genetics (formerly Invitae), Labcorp
Classification: Pathogenic. Last evaluated: 2023-04-29. Review status: criteria provided, single submitter. Criteria: Invitae Variant Classification Sherloc (09022015). Collection method: clinical testing. Allele origin: germline.
Comment: This sequence change replaces cysteine, which is neutral and slightly polar, with phenylalanine, which is neutral and non-polar, at codon 82 of the NOTCH3 protein (p.Cys82Phe). This variant is not present in population databases (gnomAD no frequency). This missense change has been observed in individuals with clinical features of cerebral arteriopathy with subcortical infarcts and leukoencephalopathy and lateral meningocele syndrome (Invitae). ClinVar contains an entry for this variant (Variation ID: 447812). Advanced modeling of protein sequence and biophysical properties (such as structural, functional, and spatial information, amino acid conservation, physicochemical variation, residue mobility, and thermodynamic stability) performed at Invitae indicates that this missense variant is expected to disrupt NOTCH3 protein function. This variant disrupts the p.Cys82 amino acid residue in NOTCH3. Other variant(s) that disrupt this residue have been determined to be pathogenic (PMID: 25096610). This suggests that this residue is clinically significant, and that variants that disrupt this residue are likely to be disease-causing. For these reasons, this variant has been classified as Pathogenic.

PreventionGenetics, part of Exact Sciences
Classification: Pathogenic for NOTCH3-related condition. Last evaluated: 2024-05-09. Review status: no assertion criteria provided. Collection method: clinical testing. Allele origin: germline. Not counted in ClinVar's aggregate classification.
Comment: The NOTCH3 c.245G>T variant is predicted to result in the amino acid substitution p.Cys82Phe. This variant was reported in a cohort of patients with CADASIL (described as rs1023306013 in Figure 1, Cho et al. 2022. PubMed ID: 35641310). It has not been reported in a large population database, indicating this variant is rare. At PreventionGenetics we have identified this alteration in multiple affected individuals, and an alternate missense change at the same amino acid position is documented in the literature (Zea-Sevilla et al. 2015. PubMed ID: 25096610). Most CADASIL causing variants in the NOTCH3 gene result in the gain or loss of one or more cysteine residues in the extracellular domain of the protein, as seen in this patient. This patient’s variant alters a cysteine residue and is located in the extracellular EGFr-like domain two. Pathogenic variants in EGFr domains 1-6 appear to be fully penetrant and are usually associated with the classical CADASIL phenotype. However, there is variability in disease severity (OMIM #125310; Rutten et al. 2016. PubMed ID: 27844030; Rutten et al. 2019. PubMed ID: 30032161). This variant is interpreted as pathogenic.

Literature cited by the submitters: PubMed 35641310 (cited by Women's Health and Genetics/Laboratory Corporation of America, LabCorp); PubMed 25096610 (cited by Labcorp Genetics (formerly Invitae), Labcorp).